The following is an entry in ClinVar:

NM_000051.4(ATM):c.6152T>G (p.Leu2051Arg)

Genes: ATM (ATM serine/threonine kinase; plus strand), C11orf65 (chromosome 11 open reading frame 65; minus strand). Cytogenetic location: 11q22.3.
Variant type: single nucleotide variant.
Coding change: c.6152T>G on transcript NM_000051.4 (MANE Select); coding-DNA position 6152, T replaced by G.
Protein change: p.Leu2051Arg; replaces leucine 2051 with arginine.
Molecular consequence: missense variant. On other transcripts: intron variant (2).
Genome position (GRCh38, 1-based): chr11:108,316,067, T>G. VCF-style: chr11-108316067-T-G. GRCh37 (hg19) VCF-style: chr11-108186794-T-G.
Other names: c.6152T>G, p.Leu2051Arg (NM_001351834.2); c.641-6996A>C (NM_001330368.2); c.*39-6996A>C (NM_001351110.2); short protein forms L2051R.
Identifiers: ClinVar variation 3222242 (VCV003222242.1), dbSNP rs2136129943, ClinGen allele CA382550589.

ClinVar aggregate classification (germline): Uncertain significance (1 of 4 stars; one submission).

Conditions:
Hereditary cancer-predisposing syndrome. Also called: Tumor predisposition; Hereditary Cancer Syndrome; Hereditary neoplastic syndrome; Neoplastic Syndromes, Hereditary. Identifiers: Orphanet 140162, MedGen C0027672, MeSH D009386, MONDO:0015356.

Submission:

Ambry Genetics
Classification: Uncertain significance for Hereditary cancer-predisposing syndrome. Last evaluated: 2024-02-24. Review status: criteria provided, single submitter. Criteria: Ambry Variant Classification Scheme 2023. Collection method: clinical testing. Allele origin: germline.
Comment: The p.L2051R variant (also known as c.6152T>G), located in coding exon 41 of the ATM gene, results from a T to G substitution at nucleotide position 6152. The leucine at codon 2051 is replaced by arginine, an amino acid with dissimilar properties. This amino acid position is conserved. In addition, this alteration is predicted to be tolerated by in silico analysis. Based on the available evidence, the clinical significance of this alteration remains unclear.